The following is an entry in ClinVar:

NM_025225.2(PNPLA3):c.-111G>A

Gene: PNPLA3 (patatin like domain 3, 1-acylglycerol-3-phosphate O-acyltransferase; plus strand). Cytogenetic location: 22q13.31.
Variant type: single nucleotide variant.
Coding change: c.-111G>A on transcript NM_025225.2; 111 bases upstream of the start codon, G replaced by A.
Genome position (GRCh38, 1-based): chr22:43,923,801, G>A. VCF-style: chr22-43923801-G-A. GRCh37 (hg19) VCF-style: chr22-44319681-G-A.
Identifiers: ClinVar variation 341923 (VCV000341923.8), dbSNP rs548897706, ClinGen allele CA10645643.

ClinVar aggregate classification (germline): Likely benign. Review status: criteria provided, multiple submitters, no conflicts (2 of 4 stars). 2 submissions from 2 submitters: Likely benign (2). Last evaluated 2018-01-13.

Conditions:
NAFLD1 (FLD1). Also called: Fatty liver disease, nonalcoholic 1; FATTY LIVER DISEASE, SUSCEPTIBILITY TO, 1. Identifiers: MedGen C2750440, MONDO:0021105, OMIM 613282.

Allele frequency attached by ClinVar (database versions not stated): gnomAD exomes 0.00089; gnomAD 0.00969 and 0.00907; TOPMed 0.01043; 1000 Genomes Project 0.01078; 1000 Genomes Project 30x 0.01124.

Submissions (2):

Illumina Laboratory Services, Illumina
Classification: Likely benign for NAFLD1. Last evaluated: 2018-01-13. Review status: criteria provided, single submitter. Criteria: ICSL Variant Classification Criteria 13 December 2019. Collection method: clinical testing. Allele origin: germline.
Comment: This variant was observed in the ICSL laboratory as part of a predisposition screen in an ostensibly healthy population. It had not been previously curated by ICSL or reported in the Human Gene Mutation Database (HGMD: prior to June 1st, 2018), and was therefore a candidate for classification through an automated scoring system. Utilizing variant allele frequency, disease prevalence and penetrance estimates, and inheritance mode, an automated score was calculated to assess if this variant is too frequent to cause the disease. Based on the score and internal cut-off values, a variant classified as likely benign is not then subjected to further curation. The score for this variant resulted in a classification of likely benign for this disease.

Breakthrough Genomics
Classification: Likely benign. Review status: criteria provided, single submitter. Criteria: ACMG Guidelines, 2015. Collection method: not provided. Allele origin: germline. Inheritance: Unknown mechanism. Affected: yes.